The following is an entry in ClinVar:

NM_000217.3(KCNA1):c.*4234A>G

Gene: KCNA1 (potassium voltage-gated channel subfamily A member 1; plus strand). Cytogenetic location: 12p13.32.
Variant type: single nucleotide variant.
Coding change: c.*4234A>G on transcript NM_000217.3 (MANE Select); 4234 bases downstream of the stop codon, A replaced by G.
Molecular consequence: 3 prime UTR variant.
Genome position (GRCh38, 1-based): chr12:4,917,100, A>G. VCF-style: chr12-4917100-A-G. GRCh37 (hg19) VCF-style: chr12-5026266-A-G.
Identifiers: ClinVar variation 309209 (VCV000309209.6), dbSNP rs61907267, ClinGen allele CA10641605.

ClinVar aggregate classification (germline): Benign (1 of 4 stars; one submission).

Conditions:
Episodic ataxia type 1 (EA1). Also called: ATAXIA, EPISODIC, WITH MYOKYMIA; MYOKYMIA WITH PERIODIC ATAXIA; PAROXYSMAL ATAXIA WITH NEUROMYOTONIA, HEREDITARY; Episodic ataxia/myokymia syndrome. Identifiers: Orphanet 37612, Orphanet 972, MedGen C1719788, MONDO:0008047, OMIM 160120.

Allele frequency attached by ClinVar (database versions not stated): 1000 Genomes Project 0.00779; 1000 Genomes Project 30x 0.00874; gnomAD exomes 0.01196; TOPMed 0.01524; gnomAD 0.01618 and 0.01622.

Submission:

Illumina Laboratory Services, Illumina
Classification: Benign for Episodic ataxia type 1. Last evaluated: 2018-01-13. Review status: criteria provided, single submitter. Criteria: ICSL Variant Classification Criteria 13 December 2019. Collection method: clinical testing. Allele origin: germline.
Comment: This variant was observed in the ICSL laboratory as part of a predisposition screen in an ostensibly healthy population. It had not been previously curated by ICSL or reported in the Human Gene Mutation Database (HGMD: prior to June 1st, 2018), and was therefore a candidate for classification through an automated scoring system. Utilizing variant allele frequency, disease prevalence and penetrance estimates, and inheritance mode, an automated score was calculated to assess if this variant is too frequent to cause the disease. Based on the score and internal cut-off values, a variant classified as benign is not then subjected to further curation. The score for this variant resulted in a classification of benign for this disease.